The following is an entry in ClinVar:

NM_018474.6(KIZ):c.1283del (p.Asn428fs)

Gene: KIZ (kizuna centrosomal protein; plus strand). Cytogenetic location: 20p11.23.
Variant type: Deletion.
Coding change: c.1283del on transcript NM_018474.6 (MANE Select); coding-DNA position 1283, one base deleted (A; older notation c.1283delA).
Protein change: p.Asn428fs; shifts the reading frame from asparagine 428.
Molecular consequence: frameshift variant.
Genome position (GRCh38, 1-based): chr20:21,163,090, A deleted; the last of 7 consecutive A bases (chr20:21,163,084-21,163,090); deleting any one gives the same sequence. VCF-style (leftmost placement, unchanged base first): chr20-21163083-GA-G. GRCh37 (hg19) VCF-style: chr20-21143724-GA-G.
Other names: c.974del, p.Asn325fs (NM_001163022.3, NM_001352435.2); c.884del, p.Asn295fs (NM_001163023.3); c.1136del, p.Asn379fs (NM_001276389.2); c.1283del, p.Asn428fs (NM_001352434.2); c.941del, p.Asn314fs (NM_001352436.2); short protein forms N295fs, N314fs, N325fs, N379fs, N428fs.
Identifiers: ClinVar variation 1074396 (VCV001074396.7), dbSNP rs755731853, ClinGen allele CA9784804.

ClinVar aggregate classification (germline): Pathogenic (1 of 4 stars; one submission).

Submission:

Labcorp Genetics (formerly Invitae), Labcorp
Classification: Pathogenic. Last evaluated: 2020-09-26. Review status: criteria provided, single submitter. Criteria: Invitae Variant Classification Sherloc (09022015). Collection method: clinical testing. Allele origin: germline.
Comment: This variant is present in population databases (rs755731853, ExAC 0.006%). For these reasons, this variant has been classified as Pathogenic. Loss-of-function variants in KIZ are known to be pathogenic (PMID: 24680887, 29057815). This variant has not been reported in the literature in individuals with KIZ-related conditions. This sequence change creates a premature translational stop signal (p.Asn428Ilefs*7) in the KIZ gene. It is expected to result in an absent or disrupted protein product.

Literature cited by the submitters: PubMed 24680887; PubMed 29057815.